The following is an entry in ClinVar:

ClinVar aggregate classification (germline): Likely benign (1 of 4 stars; one submission).

gnomAD v4.1: 1 of 1,557,508 alleles (0.000064%); highest among the groups gnomAD compares: Admixed American, 0.0019%; no homozygotes.

Submission:

CeGaT Center for Human Genetics Tuebingen
Classification: Likely benign. Last evaluated: 2026-01-01. Review status: criteria provided, single submitter. Criteria: CeGaT Center For Human Genetics Tuebingen Variant Classification Criteria Version 2. Collection method: clinical testing. Allele origin: germline. Affected: yes. Observed: 1 variant allele.
Comment: PKDCC: BP4, BP7

NM_138370.3(PKDCC):c.513C>T (p.Ser171=)

Genes: PKDCC (protein kinase domain containing, cytoplasmic; plus strand), LOC129933566 (ATAC-STARR-seq lymphoblastoid active region 15635; plus strand). Cytogenetic location: 2p21.
Variant type: single nucleotide variant.
Coding change: c.513C>T on transcript NM_138370.3 (MANE Select); coding-DNA position 513, C replaced by T.
Protein change: p.Ser171=; no amino-acid change (serine 171 retained).
Molecular consequence: synonymous variant.
Genome position (GRCh38, 1-based): chr2:42,048,712, C>T. VCF-style: chr2-42048712-C-T. GRCh37 (hg19) VCF-style: chr2-42275852-C-T.
Identifiers: ClinVar variation 4823049 (VCV004823049.4).